The following is an entry in ClinVar:

NM_004082.5(DCTN1):c.2914C>T (p.Arg972Trp)

Gene: DCTN1 (dynactin subunit 1; minus strand). Cytogenetic location: 2p13.1.
Variant type: single nucleotide variant.
Coding change: c.2914C>T on transcript NM_004082.5 (MANE Select); coding-DNA position 2914, C replaced by T.
Protein change: p.Arg972Trp; replaces arginine 972 with tryptophan.
Molecular consequence: missense variant. On other transcripts: non-coding transcript variant (1).
Genome position (GRCh38, 1-based): chr2:74,365,630, G>A on the plus strand (C>T on the coding strand, the complement: DCTN1 is on the minus strand). VCF-style: chr2-74365630-G-A. GRCh37 (hg19) VCF-style: chr2-74592757-G-A.
Other names: c.2854C>T, p.Arg952Trp (NM_001135040.3); c.2512C>T, p.Arg838Trp (NM_001135041.3, NM_023019.4); c.2803C>T, p.Arg935Trp (NM_001190836.2); c.2893C>T, p.Arg965Trp (NM_001190837.2); c.2863C>T, p.Arg955Trp (NM_001378991.1); c.2845C>T, p.Arg949Trp (NM_001378992.1); short protein forms R935W, R952W, R965W, R838W, R949W, R955W, R972W.
Identifiers: ClinVar variation 948254 (VCV000948254.10), dbSNP rs756183069, ClinGen allele CA1721674.
Genomic context (GRCh38, chr2:74,365,630, plus strand): 5'-CGATGCGCTCATCTGCATCCTTGGCAGCACTGTCCAACTTCTTCTCCAGGAGGCTCAGCC[G>A]CACATTGGCCTCACTTAGCTCCTCTCCCTGGACAAGGACAGAACTTCTAGATCCCTGACA-3'
Protein context (NP_004073.2, residues 962-982): KGEELSEANV[Arg972Trp]LSLLEKKLDS

ClinVar aggregate classification (germline): Uncertain significance (1 of 4 stars; one submission).

Conditions:
Neuronopathy, distal hereditary motor, type 7B. Also called: Distal Hereditary Motor Neuronopathy Type 7B (dHMN7B); HMN VIIB; NEURONOPATHY, DISTAL HEREDITARY MOTOR, AUTOSOMAL DOMINANT 14; NEURONOPATHY, DISTAL HEREDITARY MOTOR, HARDING TYPE VIIB; NEUROPATHY, DISTAL HEREDITARY MOTOR, HARDING TYPE VIIB; NEUROPATHY, DISTAL HEREDITARY MOTOR, WITH VOCAL CORD PARALYSIS, HARDING TYPE VIIB. Identifiers: Orphanet 139589, MedGen C1843315, MONDO:0011879, OMIM 607641.
Amyotrophic lateral sclerosis type 1 (ALS1). Also called: AMYOTROPHIC LATERAL SCLEROSIS 1, FAMILIAL. Identifiers: Orphanet 803, MedGen C1862939, MONDO:0007103, OMIM 105400.
Perry syndrome. Also called: PARKINSONISM WITH ALVEOLAR HYPOVENTILATION AND MENTAL DEPRESSION. Identifiers: Orphanet 178509, MedGen C1868594, MONDO:0008201, OMIM 168605.

Allele frequency attached by ClinVar (database versions not stated): gnomAD exomes below 0.00001 and 0.00001; ExAC 0.00001; gnomAD 0.00001.
gnomAD v4.1: 2 of 1,613,978 alleles (0.00012%); no homozygotes.

Submission:

Labcorp Genetics (formerly Invitae), Labcorp
Classification: Uncertain significance for Amyotrophic lateral sclerosis type 1; Neuronopathy, distal hereditary motor, type 7B; Perry syndrome. Last evaluated: 2022-07-19. Review status: criteria provided, single submitter. Criteria: Invitae Variant Classification Sherloc (09022015). Collection method: clinical testing. Allele origin: germline.
Comment: This sequence change replaces arginine, which is basic and polar, with tryptophan, which is neutral and slightly polar, at codon 972 of the DCTN1 protein (p.Arg972Trp). In summary, the available evidence is currently insufficient to determine the role of this variant in disease. Therefore, it has been classified as a Variant of Uncertain Significance. Algorithms developed to predict the effect of missense changes on protein structure and function (SIFT, PolyPhen-2, Align-GVGD) all suggest that this variant is likely to be disruptive. ClinVar contains an entry for this variant (Variation ID: 948254). This variant has not been reported in the literature in individuals affected with DCTN1-related conditions. This variant is present in population databases (rs756183069, gnomAD 0.01%).